The following is an entry in ClinVar:

NM_005314.3(GRPR):c.1140C>T (p.His380=)

Gene: GRPR (gastrin releasing peptide receptor; plus strand). Cytogenetic location: Xp22.2.
Variant type: single nucleotide variant.
Coding change: c.1140C>T on transcript NM_005314.3 (MANE Select); coding-DNA position 1140, C replaced by T.
Protein change: p.His380=; no amino-acid change (histidine 380 retained).
Molecular consequence: synonymous variant.
Genome position (GRCh38, 1-based): chrX:16,152,630, C>T. VCF-style: chrX-16152630-C-T. GRCh37 (hg19) VCF-style: chrX-16170753-C-T.
Identifiers: ClinVar variation 2660063 (VCV002660063.24), dbSNP rs773791112, ClinGen allele CA10356642.

ClinVar aggregate classification (germline): Likely benign (1 of 4 stars; one submission).

Allele frequency attached by ClinVar (database versions not stated): gnomAD 0.00003; TOPMed 0.00005; ExAC 0.00009; gnomAD exomes 0.00010.
gnomAD v4.1: 111 of 1,207,330 alleles (0.0092%); highest among the groups gnomAD compares: Middle Eastern, 0.046%; no homozygotes.

Submission:

CeGaT Center for Human Genetics Tuebingen
Classification: Likely benign. Last evaluated: 2023-03-01. Review status: criteria provided, single submitter. Criteria: CeGaT Center For Human Genetics Tuebingen Variant Classification Criteria Version 2. Collection method: clinical testing. Allele origin: germline. Affected: yes. Observed: 2 variant alleles.
Comment: GRPR: BP4, BP7, BS2